The following is an entry in ClinVar:

ClinVar aggregate classification (germline): Likely benign. Review status: criteria provided, multiple submitters, no conflicts (2 of 4 stars). 2 submissions from 2 submitters: Likely benign (2). Last evaluated 2026-01-19.

Conditions:
Hereditary spastic paraplegia 11. Also called: SPASTIC PARAPLEGIA, AUTOSOMAL RECESSIVE, COMPLICATED, WITH THIN CORPUS CALLOSUM; SPASTIC PARAPLEGIA, AUTOSOMAL RECESSIVE, WITH MENTAL IMPAIRMENT AND THIN CORPUS CALLOSUM; Nakamura Osame syndrome; Autosomal recessive hereditary spastic paraplegia, mental impairment, and thin corpus callosum; Spastic paraplegia, mental retardation and thin corpus callosum; Spastic Paraplegia 11. Identifiers: Orphanet 2822, MedGen C1858479, MONDO:0011445, OMIM 604360.

Allele frequency attached by ClinVar (database versions not stated): gnomAD 0.00001; gnomAD exomes 0.00002 and 0.00004; ExAC 0.00006.
gnomAD v4.1: 40 of 1,614,100 alleles (0.0025%); highest among the groups gnomAD compares: South Asian, 0.037%; 1 homozygote.

Submissions (2):

Labcorp Genetics (formerly Invitae), Labcorp
Classification: Likely benign for Hereditary spastic paraplegia 11. Last evaluated: 2026-01-19. Review status: criteria provided, single submitter. Criteria: Invitae Variant Classification Sherloc (09022015). Collection method: clinical testing. Allele origin: germline.

Mayo Clinic Laboratories, Mayo Clinic
Classification: Likely benign. Last evaluated: 2025-12-14. Review status: criteria provided, single submitter. Criteria: ACMG Guidelines, 2015. Collection method: clinical testing. Allele origin: germline. Observed: 1 variant allele.
Comment: BP4, BP7

NM_025137.4(SPG11):c.3343C>T (p.Leu1115=)

Gene: SPG11 (SPG11 vesicle trafficking associated, spatacsin; minus strand). Cytogenetic location: 15q21.1.
Variant type: single nucleotide variant.
Coding change: c.3343C>T on transcript NM_025137.4 (MANE Select); coding-DNA position 3343, C replaced by T.
Protein change: p.Leu1115=; no amino-acid change (leucine 1115 retained).
Molecular consequence: synonymous variant.
Genome position (GRCh38, 1-based): chr15:44,608,554, G>A on the plus strand (C>T on the coding strand, the complement: SPG11 is on the minus strand). VCF-style: chr15-44608554-G-A. GRCh37 (hg19) VCF-style: chr15-44900752-G-A.
Other names: p.Leu1115=; c.3343C>T, p.Leu1115= (NM_001160227.2).
Identifiers: ClinVar variation 1133409 (VCV001133409.10), dbSNP rs374565265, ClinGen allele CA7534995.
Genomic context (GRCh38, chr15:44,608,554, plus strand): 5'-TGCACTGTGGGAAGAGAGCAGTTTTTAGCTTGGGGTAAGGAGTTAATGCCATCTTCAATA[G>A]CTGGGGATCCACTTTCTTCAAACAGTTTTCATTTTCTTCATTCTGAACAACCTAAGTAAA-3'
Protein context (NP_079413.3, residues 1105-1125): ENCLKKVDPQ[Leu1115=]LKMALTPYPK